The following is an entry in ClinVar:

NM_020919.4(ALS2):c.2110C>T (p.Arg704Ter)

Gene: ALS2 (alsin Rho guanine nucleotide exchange factor ALS2; minus strand). Cytogenetic location: 2q33.1.
Variant type: single nucleotide variant.
Coding change: c.2110C>T on transcript NM_020919.4 (MANE Select); coding-DNA position 2110, C replaced by T.
Protein change: p.Arg704Ter; replaces arginine 704 with a stop codon.
Molecular consequence: nonsense.
Genome position (GRCh38, 1-based): chr2:201,744,318, G>A on the plus strand (C>T on the coding strand, the complement: ALS2 is on the minus strand). VCF-style: chr2-201744318-G-A. GRCh37 (hg19) VCF-style: chr2-202609041-G-A.
Other names: c.2110C>T, p.Arg704Ter (NM_001410975.1); short protein forms R704*.
Identifiers: ClinVar variation 2444743 (VCV002444743.2), dbSNP rs748568886, ClinGen allele CA2058280.

ClinVar aggregate classification (germline): Pathogenic (1 of 4 stars; one submission).

Allele frequency attached by ClinVar (database versions not stated): gnomAD exomes below 0.00001; TOPMed below 0.00001; ExAC 0.00001.

Submission:

GeneDx
Classification: Pathogenic. Last evaluated: 2023-08-07. Review status: criteria provided, single submitter. Criteria: GeneDx Variant Classification Process June 2021. Collection method: clinical testing. Allele origin: germline.
Comment: Nonsense variant predicted to result in protein truncation or nonsense mediated decay in a gene for which loss of function is a known mechanism of disease; Not observed at significant frequency in large population cohorts (gnomAD); This variant is associated with the following publications: (PMID: 35852402, 33409823, 35032227)